The following is an entry in ClinVar:

ClinVar aggregate classification (germline): Uncertain significance (1 of 4 stars; one submission).

Conditions:
TTN-related disorder. Also called: TTN-related disorders; TTN-related condition; TTN-related disease.

Submission:

PreventionGenetics, part of Exact Sciences
Classification: Uncertain significance for TTN-related condition. Last evaluated: 2026-07-22. Review status: criteria provided, single submitter. Criteria: ACMG Guidelines, 2015. Collection method: clinical testing. Allele origin: germline.
Comment: The TTN c.33700C>G variant is predicted to result in the amino acid substitution p.Pro11234Ala. To our knowledge, this variant has not been reported in the literature or in a large population database (gnomAD), indicating this variant is rare. At this time, the clinical significance of this variant is uncertain due to the absence of conclusive functional and genetic evidence.

NM_001267550.2(TTN):c.33700C>G (p.Pro11234Ala)

Gene: TTN (titin; minus strand). Cytogenetic location: 2q31.2.
Variant type: single nucleotide variant.
Coding change: c.33700C>G on transcript NM_001267550.2 (MANE Select); coding-DNA position 33700, C replaced by G.
Protein change: p.Pro11234Ala; replaces proline 11234 with alanine.
Molecular consequence: missense variant. On other transcripts: intron variant (3).
Genome position (GRCh38, 1-based): chr2:178,679,381, G>C on the plus strand (C>G on the coding strand, the complement: TTN is on the minus strand). VCF-style: chr2-178679381-G-C. GRCh37 (hg19) VCF-style: chr2-179544108-G-C.
Other names: c.32749C>G, p.Pro10917Ala (NM_001256850.1); c.29968C>G, p.Pro9990Ala (NM_133378.4); c.13283-37064C>G (NM_003319.4); c.13859-37064C>G (NM_133437.4); c.13658-37064C>G (NM_133432.3); short protein forms P10917A, P11234A, P9990A.
Identifiers: ClinVar variation 4991160 (VCV004991160.1).